The following is an entry in ClinVar:

NM_000235.4(LIPA):c.220T>C (p.Ser74Pro)

Gene: LIPA (lipase A, lysosomal acid type; minus strand). Cytogenetic location: 10q23.31.
Variant type: single nucleotide variant.
Coding change: c.220T>C on transcript NM_000235.4 (MANE Select); coding-DNA position 220, T replaced by C.
Protein change: p.Ser74Pro; replaces serine 74 with proline.
Molecular consequence: missense variant. On other transcripts: intron variant (1).
Genome position (GRCh38, 1-based): chr10:89,245,685, A>G on the plus strand (T>C on the coding strand, the complement: LIPA is on the minus strand). VCF-style: chr10-89245685-A-G. GRCh37 (hg19) VCF-style: chr10-91005442-A-G.
Other names: c.220T>C, p.Ser74Pro (NM_001127605.3); c.-120+6052T>C (NM_001288979.2); short protein forms S74P.
Identifiers: ClinVar variation 1787752 (VCV001787752.3), dbSNP rs1046820327, ClinGen allele CA211323059.

ClinVar aggregate classification (germline): Uncertain significance (1 of 4 stars; one submission).

Conditions:
Cardiovascular phenotype. Identifiers: MedGen CN230736.

Allele frequency attached by ClinVar (database versions not stated): gnomAD 0.00001; gnomAD exomes 0.00001; TOPMed 0.00002.
gnomAD v4.1: 13 of 1,557,814 alleles (0.00083%); highest among the groups gnomAD compares: Non-Finnish European, 0.0012%; no homozygotes.

Submission:

Ambry Genetics
Classification: Uncertain significance for Cardiovascular phenotype. Last evaluated: 2024-03-27. Review status: criteria provided, single submitter. Criteria: Ambry Variant Classification Scheme 2023. Collection method: clinical testing. Allele origin: germline.
Comment: The p.S74P variant (also known as c.220T>C), located in coding exon 2 of the LIPA gene, results from a T to C substitution at nucleotide position 220. The serine at codon 74 is replaced by proline, an amino acid with similar properties. This amino acid position is conserved. In addition, this alteration is predicted to be tolerated by in silico analysis. Since supporting evidence is limited at this time, the clinical significance of this alteration remains unclear.